The following is an entry in ClinVar:

ClinVar aggregate classification (germline): Uncertain significance. Review status: criteria provided, multiple submitters, no conflicts (2 of 4 stars). 2 submissions from 2 submitters: Uncertain significance (2). Last evaluated 2022-04-06.

Allele frequency attached by ClinVar (database versions not stated): gnomAD exomes below 0.00001 and 0.00001.
gnomAD v4.1: 6 of 1,549,460 alleles (0.00039%); highest among the groups gnomAD compares: Non-Finnish European, 0.00044%; no homozygotes.

Submissions (2):

Labcorp Genetics (formerly Invitae), Labcorp
Classification: Uncertain significance. Last evaluated: 2022-04-06. Review status: criteria provided, single submitter. Criteria: Invitae Variant Classification Sherloc (09022015). Collection method: clinical testing. Allele origin: germline.
Comment: This sequence change replaces aspartic acid, which is acidic and polar, with tyrosine, which is neutral and polar, at codon 2953 of the ZNF469 protein (p.Asp2953Tyr). The frequency data for this variant in the population databases is considered unreliable, as metrics indicate poor data quality at this position in the gnomAD database. This variant has not been reported in the literature in individuals affected with ZNF469-related conditions. ClinVar contains an entry for this variant (Variation ID: 546505). Algorithms developed to predict the effect of missense changes on protein structure and function are either unavailable or do not agree on the potential impact of this missense change (SIFT: "Deleterious"; PolyPhen-2: "Possibly Damaging"; Align-GVGD: "Class C0"). Algorithms developed to predict the effect of sequence changes on RNA splicing suggest that this variant may create or strengthen a splice site. In summary, the available evidence is currently insufficient to determine the role of this variant in disease. Therefore, it has been classified as a Variant of Uncertain Significance.

GeneDx
Classification: Uncertain significance. Last evaluated: 2018-05-31. Review status: criteria provided, single submitter. Criteria: GeneDx Variant Classification (06012015). Collection method: clinical testing. Allele origin: germline. Affected: yes.
Comment: A variant of uncertain significance has been identified in the ZNF469 gene. The D2953Y variant has not been published as pathogenic or been reported as benign to our knowledge. This variant is also not observed in large population cohorts (Lek et al., 2016). The D2953Y variant is a non-conservative amino acid substitution, which is likely to impact secondary protein structure as these residues differ in polarity, charge, size and/or other properties. However, in-silico analyses, including protein predictors and evolutionary conservation, support that this variant does not alter protein structure/function.

NM_001367624.2(ZNF469):c.8941G>T (p.Asp2981Tyr)

Gene: ZNF469 (zinc finger protein 469; plus strand). Cytogenetic location: 16q24.2.
Variant type: single nucleotide variant.
Coding change: c.8941G>T on transcript NM_001367624.2 (MANE Select); coding-DNA position 8941, G replaced by T.
Protein change: p.Asp2981Tyr; replaces aspartic acid 2981 with tyrosine.
Molecular consequence: missense variant.
Genome position (GRCh38, 1-based): chr16:88,436,411, G>T. VCF-style: chr16-88436411-G-T. GRCh37 (hg19) VCF-style: chr16-88502819-G-T.
Other names: short protein forms D2981Y.
Identifiers: ClinVar variation 546505 (VCV000546505.4), dbSNP rs1343847655, ClinGen allele CA397119834.